The following is an entry in ClinVar:

NM_001371986.1(UNC80):c.8120G>T (p.Cys2707Phe)

Gene: UNC80 (unc-80 subunit of NALCN channel complex; plus strand). Cytogenetic location: 2q34.
Variant type: single nucleotide variant.
Coding change: c.8120G>T on transcript NM_001371986.1 (MANE Select); coding-DNA position 8120, G replaced by T.
Protein change: p.Cys2707Phe; replaces cysteine 2707 with phenylalanine.
Molecular consequence: missense variant.
Genome position (GRCh38, 1-based): chr2:209,969,881, G>T. VCF-style: chr2-209969881-G-T. GRCh37 (hg19) VCF-style: chr2-210834605-G-T.
Other names: c.7922G>T, p.Cys2641Phe (NM_032504.2); c.7907G>T, p.Cys2636Phe (NM_182587.4); short protein forms C2707F, C2636F, C2641F.
Identifiers: ClinVar variation 1960313 (VCV001960313.5), dbSNP rs1192786575, ClinGen allele CA350777811.

ClinVar aggregate classification (germline): Uncertain significance (1 of 4 stars; one submission).

gnomAD v4.1: 3 of 1,551,650 alleles (0.00019%); highest among the groups gnomAD compares: Non-Finnish European, 0.00026%; no homozygotes.

Submission:

Labcorp Genetics (formerly Invitae), Labcorp
Classification: Uncertain significance. Last evaluated: 2024-11-18. Review status: criteria provided, single submitter. Criteria: Invitae Variant Classification Sherloc (09022015). Collection method: clinical testing. Allele origin: germline.
Comment: This sequence change replaces cysteine, which is neutral and slightly polar, with phenylalanine, which is neutral and non-polar, at codon 2641 of the UNC80 protein (p.Cys2641Phe). This variant is present in population databases (no rsID available, gnomAD 0.002%). This variant has not been reported in the literature in individuals affected with UNC80-related conditions. ClinVar contains an entry for this variant (Variation ID: 1960313). Invitae Evidence Modeling of protein sequence and biophysical properties (such as structural, functional, and spatial information, amino acid conservation, physicochemical variation, residue mobility, and thermodynamic stability) indicates that this missense variant is not expected to disrupt UNC80 protein function with a negative predictive value of 80%. In summary, the available evidence is currently insufficient to determine the role of this variant in disease. Therefore, it has been classified as a Variant of Uncertain Significance.